The following is an entry in ClinVar:

NM_000455.5(STK11):c.865A>T (p.Met289Leu)

Gene: STK11 (serine/threonine kinase 11; plus strand). Cytogenetic location: 19p13.3.
Variant type: single nucleotide variant.
Coding change: c.865A>T on transcript NM_000455.5 (MANE Select); coding-DNA position 865, A replaced by T.
Protein change: p.Met289Leu; replaces methionine 289 with leucine.
Molecular consequence: missense variant.
Genome position (GRCh38, 1-based): chr19:1,221,951, A>T. VCF-style: chr19-1221951-A-T. GRCh37 (hg19) VCF-style: chr19-1221950-A-T.
Other names: c.865A>T (NM_000455.4); short protein forms M289L.
Identifiers: ClinVar variation 1349758 (VCV001349758.7), dbSNP rs2145428612, ClinGen allele CA402951147.

ClinVar aggregate classification (germline): Uncertain significance. Review status: criteria provided, multiple submitters, no conflicts (2 of 4 stars). 2 submissions from 2 submitters: Uncertain significance (2). Last evaluated 2025-08-22.

Conditions:
Peutz-Jeghers syndrome (PJS). Also called: POLYPOSIS, HAMARTOMATOUS INTESTINAL; POLYPS-AND-SPOTS SYNDROME; Peutz-Jeghers polyposis; Periorificial lentiginosis syndrome. Identifiers: Orphanet 2869, MedGen C0031269, MeSH D010580, MONDO:0008280, OMIM 175200.
Hereditary cancer-predisposing syndrome. Also called: Hereditary Cancer Syndrome; Neoplastic Syndromes, Hereditary; Tumor predisposition; Hereditary neoplastic syndrome. Identifiers: Orphanet 140162, MedGen C0027672, MeSH D009386, MONDO:0015356.

Submissions (2):

Ambry Genetics
Classification: Uncertain significance for Hereditary cancer-predisposing syndrome. Last evaluated: 2025-08-22. Review status: criteria provided, single submitter. Criteria: Ambry Variant Classification Scheme 2023. Collection method: clinical testing. Allele origin: germline.
Comment: The p.M289L variant (also known as c.865A>T), located in coding exon 7 of the STK11 gene, results from an A to T substitution at nucleotide position 865. The methionine at codon 289 is replaced by leucine, an amino acid with highly similar properties. This amino acid position is conserved. In addition, this alteration is predicted to be tolerated by in silico analysis. Based on the available evidence, the clinical significance of this variant remains unclear.

Labcorp Genetics (formerly Invitae), Labcorp
Classification: Uncertain significance for Peutz-Jeghers syndrome. Last evaluated: 2021-11-19. Review status: criteria provided, single submitter. Criteria: Invitae Variant Classification Sherloc (09022015). Collection method: clinical testing. Allele origin: germline.
Comment: In summary, the available evidence is currently insufficient to determine the role of this variant in disease. Therefore, it has been classified as a Variant of Uncertain Significance. Algorithms developed to predict the effect of missense changes on protein structure and function (SIFT, PolyPhen-2, Align-GVGD) all suggest that this variant is likely to be tolerated. This variant has not been reported in the literature in individuals affected with STK11-related conditions. This variant is not present in population databases (gnomAD no frequency). This sequence change replaces methionine, which is neutral and non-polar, with leucine, which is neutral and non-polar, at codon 289 of the STK11 protein (p.Met289Leu).